The following is an entry in ClinVar:

NM_001754.5(RUNX1):c.546C>G (p.Asn182Lys)

Genes: RUNX1 (RUNX family transcription factor 1; minus strand), RUNX1-AS1 (RUNX1 antisense RNA 1; plus strand). Cytogenetic location: 21q22.12.
Variant type: single nucleotide variant.
Coding change: c.546C>G on transcript NM_001754.5 (MANE Select); coding-DNA position 546, C replaced by G.
Protein change: p.Asn182Lys; replaces asparagine 182 with lysine.
Molecular consequence: missense variant.
Genome position (GRCh38, 1-based): chr21:34,859,541, G>C on the plus strand (C>G on the coding strand, the complement: RUNX1 is on the minus strand). VCF-style: chr21-34859541-G-C. GRCh37 (hg19) VCF-style: chr21-36231838-G-C.
Other names: NM_001754.5(RUNX1):c.546C>G; p.Asn182Lys; c.465C>G, p.Asn155Lys (NM_001001890.3, NM_001122607.2); short protein forms N155K, N182K.
Identifiers: ClinVar variation 1723808 (VCV001723808.3), dbSNP rs773071163, ClinGen allele CA410208078.

ClinVar aggregate classification (germline): Uncertain significance. Review status: reviewed by expert panel (3 of 4 stars). 2 submissions from 2 submitters: Uncertain significance (1). 1 of the submissions does not count toward it. Last evaluated 2024-07-17.

Conditions:
Hereditary thrombocytopenia and hematologic cancer predisposition syndrome. Identifiers: Orphanet 71290, MedGen CN281654, MONDO:0011071.

Submissions (2):

ClinGen Myeloid Malignancy Variant Curation Expert Panel
Classification: Uncertain significance for Hereditary thrombocytopenia and hematologic cancer predisposition syndrome. Last evaluated: 2024-07-17. Review status: reviewed by expert panel. Criteria: ClinGen MyeloMalig ACMG Specifications v2. Collection method: curation. Allele origin: germline. Inheritance: Autosomal dominant inheritance.
Comment: NM_001754.5(RUNX1):c.546C>G (p.Asn182Lys) is a missense variant affecting one of the residues within the runt homology domain, but not a known hotspot residue (PM1_supporting). This variant is located within a critical and well-established functional domain (AA 89-204) of RUNX1. In summary, the clinical significance of this variant is uncertain. ACMG/AMP criteria have been applied as specified by the Myeloid Malignancy Variant Curation Expert Panel for RUNX1: PM1_supporting.

GeneDx
Classification: Uncertain significance. Last evaluated: 2022-05-13. Review status: criteria provided, single submitter. Criteria: GeneDx Variant Classification Process June 2021. Collection method: clinical testing. Allele origin: germline. Affected: yes. Not counted in ClinVar's aggregate classification.
Comment: Not observed at significant frequency in large population cohorts (gnomAD); In silico analysis supports that this missense variant has a deleterious effect on protein structure/function; Has not been previously published as pathogenic or benign to our knowledge